The following is an entry in ClinVar:

ClinVar aggregate classification (germline): Uncertain significance. Review status: criteria provided, multiple submitters, no conflicts (2 of 4 stars). 2 submissions from 2 submitters: Uncertain significance (2). Last evaluated 2022-03-10.

Conditions:
Nephronophthisis. Also called: Juvenile Nephronophthisis. Identifiers: Orphanet 655, MedGen C0687120, MONDO:0019005, HP:0000090.
Infantile nephronophthisis (NPHP2). Also called: Nephronophthisis 2; Nephronophthisis 2, infantile. Identifiers: Orphanet 655, Orphanet 93591, MedGen C1865872, MONDO:0011190, OMIM 602088.

Allele frequency attached by ClinVar (database versions not stated): gnomAD exomes below 0.00001; gnomAD 0.00001; TOPMed 0.00002.
gnomAD v4.1: 5 of 1,613,898 alleles (0.00031%); highest among the groups gnomAD compares: African/African-American, 0.004%; no homozygotes.

Submissions (2):

Labcorp Genetics (formerly Invitae), Labcorp
Classification: Uncertain significance for Nephronophthisis. Last evaluated: 2022-03-10. Review status: criteria provided, single submitter. Criteria: Invitae Variant Classification Sherloc (09022015). Collection method: clinical testing. Allele origin: germline.
Comment: ClinVar contains an entry for this variant (Variation ID: 1020387). This sequence change replaces serine, which is neutral and polar, with phenylalanine, which is neutral and non-polar, at codon 1050 of the INVS protein (p.Ser1050Phe). This variant is present in population databases (no rsID available, gnomAD 0.007%). This variant has not been reported in the literature in individuals affected with INVS-related conditions. Algorithms developed to predict the effect of missense changes on protein structure and function are either unavailable or do not agree on the potential impact of this missense change (SIFT: "Deleterious"; PolyPhen-2: "Probably Damaging"; Align-GVGD: "Class C0"). In summary, the available evidence is currently insufficient to determine the role of this variant in disease. Therefore, it has been classified as a Variant of Uncertain Significance.

Fulgent Genetics
Classification: Uncertain significance for Infantile nephronophthisis. Last evaluated: 2021-12-14. Review status: criteria provided, single submitter. Criteria: ACMG Guidelines, 2015. Collection method: clinical testing. Allele origin: unknown.

NM_014425.5(INVS):c.3149C>T (p.Ser1050Phe)

Gene: INVS (inversin; plus strand). Cytogenetic location: 9q31.1.
Variant type: single nucleotide variant.
Coding change: c.3149C>T on transcript NM_014425.5 (MANE Select); coding-DNA position 3149, C replaced by T.
Protein change: p.Ser1050Phe; replaces serine 1050 with phenylalanine.
Molecular consequence: missense variant. On other transcripts: non-coding transcript variant (1).
Genome position (GRCh38, 1-based): chr9:100,300,625, C>T. VCF-style: chr9-100300625-C-T. GRCh37 (hg19) VCF-style: chr9-103062907-C-T.
Other names: c.2861C>T, p.Ser954Phe (NM_001318381.2); c.2171C>T, p.Ser724Phe (NM_001318382.2); short protein forms S1050F, S724F, S954F.
Identifiers: ClinVar variation 1020387 (VCV001020387.9), dbSNP rs969660773, ClinGen allele CA196905779.